The following is an entry in ClinVar:

ClinVar aggregate classification (germline): not provided (0 of 4 stars; one submission).

Conditions:
Blau syndrome (BLAUS). Also called: ARTHROCUTANEOUVEAL GRANULOMATOSIS; GRANULOMATOSIS, FAMILIAL JUVENILE SYSTEMIC; GRANULOMATOSIS, FAMILIAL, BLAU TYPE; GRANULOMATOUS INFLAMMATORY ARTHRITIS, DERMATITIS, AND UVEITIS, FAMILIAL; JABS SYNDROME. Identifiers: Orphanet 90340, MedGen C5201146, MONDO:0008523, OMIM 186580.

Allele frequency attached by ClinVar (database versions not stated): gnomAD exomes below 0.00001; TOPMed below 0.00001; gnomAD 0.00001.
gnomAD v4.1: 3 of 828,522 alleles (0.00036%); highest among the groups gnomAD compares: Non-Finnish European, 0.00063%; no homozygotes.

Submission:

Unité médicale des maladies autoinflammatoires, CHRU Montpellier
No classification provided. Condition: Sarcoidosis, early-onset. Review status: no classification provided. Collection method: not provided. Allele origin: unknown.
Comment: also involved in OMIM 186580 and 266600

NM_001370466.1(NOD2):c.2970-102C>G

Genes: NOD2 (nucleotide binding oligomerization domain containing 2; plus strand), CYLD-AS1 (CYLD antisense RNA 1; minus strand). Cytogenetic location: 16q12.1.
Variant type: single nucleotide variant.
Coding change: c.2970-102C>G on transcript NM_001370466.1 (MANE Select); 102 bases into the intron before coding-DNA position 2970, C replaced by G.
Molecular consequence: intron variant.
Genome position (GRCh38, 1-based): chr16:50,731,645, C>G. VCF-style: chr16-50731645-C-G. GRCh37 (hg19) VCF-style: chr16-50765556-C-G.
Other names: c.3051-102C>G (LRG_177t1, NM_022162.3); c.2970-102C>G (NM_001293557.2).
Identifiers: ClinVar variation 97873 (VCV000097873.1), dbSNP rs104895458, ClinGen allele CA150323.
Genomic context (GRCh38, chr16:50,731,645, plus strand): 5'-GCCAAGGGTAAAAACAGCCCTGACTTCCCTGCAAGAAACACTGCAGCTGGGCCAGAGAGT[C>G]AGCCCATCCCAGGCATGGGTTTAAAAAGTGGAGGCTTTTGTTTGAAAGCCCTGCTCTAAT-3'